The following is an entry in ClinVar:

ClinVar aggregate classification (germline): Uncertain significance (1 of 4 stars; one submission).

Conditions:
Hereditary cancer-predisposing syndrome. Also called: Tumor predisposition; Neoplastic Syndromes, Hereditary; Hereditary Cancer Syndrome; Hereditary neoplastic syndrome. Identifiers: Orphanet 140162, MedGen C0027672, MeSH D009386, MONDO:0015356.

Submission:

Ambry Genetics
Classification: Uncertain significance for Hereditary cancer-predisposing syndrome. Last evaluated: 2025-03-14. Review status: criteria provided, single submitter. Criteria: Ambry Variant Classification Scheme 2023. Collection method: clinical testing. Allele origin: germline.
Comment: The p.N361K variant (also known as c.1083C>G), located in coding exon 9 of the MITF gene, results from a C to G substitution at nucleotide position 1083. The asparagine at codon 361 is replaced by lysine, an amino acid with similar properties. This amino acid position is conserved. In addition, this alteration is predicted to be tolerated by in silico analysis. Based on the available evidence, the clinical significance of this variant remains unclear.

NM_001354604.2(MITF):c.1404C>G (p.Asn468Lys)

Gene: MITF (melanocyte inducing transcription factor; plus strand). Cytogenetic location: 3p13.
Variant type: single nucleotide variant.
Coding change: c.1404C>G on transcript NM_001354604.2 (MANE Select); coding-DNA position 1404, C replaced by G.
Protein change: p.Asn468Lys; replaces asparagine 468 with lysine.
Molecular consequence: missense variant.
Genome position (GRCh38, 1-based): chr3:69,965,071, C>G. VCF-style: chr3-69965071-C-G. GRCh37 (hg19) VCF-style: chr3-70014222-C-G.
Other names: c.1083C>G, p.Asn361Lys (NM_000248.4); c.1230C>G, p.Asn410Lys (NM_001184967.2, NM_001354608.2); c.1401C>G, p.Asn467Lys (NM_001354605.2); c.1383C>G, p.Asn461Lys (NM_001354606.2, NM_006722.3); c.1335C>G, p.Asn445Lys (NM_001354607.2); c.1065C>G, p.Asn355Lys (NM_198158.3); c.1386C>G, p.Asn462Lys (NM_198159.3); c.1338C>G, p.Asn446Lys (NM_198177.3); and 1 more; short protein forms N299K, N445K, N468K, N355K, N361K, N410K, N446K, N467K.
Identifiers: ClinVar variation 3873265 (VCV003873265.1).